The following is an entry in ClinVar:

ClinVar aggregate classification (germline): Conflicting classifications of pathogenicity. Review status: criteria provided, conflicting classifications (1 of 4 stars). 4 submissions from 4 submitters: Uncertain significance (1); Benign (1); Likely benign (2). Last evaluated 2026-01-12.

Conditions:
Cardiovascular phenotype. Identifiers: MedGen CN230736.
Long QT syndrome (LQTS). Identifiers: MedGen C0023976, MeSH D008133, MONDO:0002442. Disease mechanism: loss of function. Inheritance: Various modes of inheritance.

Allele frequency attached by ClinVar (database versions not stated): gnomAD 0.00005 and 0.00004; ExAC below 0.00001; gnomAD exomes 0.00001; TOPMed 0.00003.
gnomAD v4.1: 25 of 1,573,168 alleles (0.0016%); highest among the groups gnomAD compares: Admixed American, 0.011%; no homozygotes.

Submissions (4):

Labcorp Genetics (formerly Invitae), Labcorp
Classification: Likely benign for Long QT syndrome. Last evaluated: 2026-01-12. Review status: criteria provided, single submitter. Criteria: Invitae Variant Classification Sherloc (09022015). Collection method: clinical testing. Allele origin: germline.

Eurofins Ntd Llc (ga)
Classification: Uncertain significance. Last evaluated: 2016-08-12. Review status: criteria provided, single submitter. Criteria: EGL Classification Definitions 2015. Collection method: clinical testing. Allele origin: germline. Observed: 1 variant allele, 1 heterozygote.

Ambry Genetics
Classification: Likely benign for Cardiovascular phenotype. Last evaluated: 2016-06-28. Review status: criteria provided, single submitter. Criteria: Ambry Variant Classification Scheme 2023. Collection method: clinical testing. Allele origin: germline.

GeneDx
Classification: Benign. Last evaluated: 2013-11-25. Review status: criteria provided, single submitter. Criteria: GeneDx Variant Classification (06012015). Collection method: clinical testing. Allele origin: germline. Affected: yes.
Comment: This variant is considered likely benign or benign based on one or more of the following criteria: it is a conservative change, it occurs at a poorly conserved position in the protein, it is predicted to be benign by multiple in silico algorithms, and/or has population frequency not consistent with disease.

NM_000719.7(CACNA1C):c.5424G>A (p.Ala1808=)

Genes: CACNA1C (calcium voltage-gated channel subunit alpha1 C; plus strand), CACNA1C-AS1 (CACNA1C antisense RNA 1; minus strand). Cytogenetic location: 12p13.33.
Variant type: single nucleotide variant.
Coding change: c.5424G>A on transcript NM_000719.7 (MANE Select); coding-DNA position 5424, G replaced by A.
Protein change: p.Ala1808=; no amino-acid change (alanine 1808 retained).
Molecular consequence: synonymous variant.
Genome position (GRCh38, 1-based): chr12:2,679,776, G>A. VCF-style: chr12-2679776-G-A. GRCh37 (hg19) VCF-style: chr12-2788942-G-A.
Other names: p.A1808A:GCG>GCA; c.5568G>A, p.Ala1856= (NM_001129827.2, NM_199460.4); c.5547G>A, p.Ala1849= (NM_001129829.2); c.5424G>A, p.Ala1808= (NM_001129830.3, NM_001129840.2, NM_001129841.2 and 4 more transcripts); c.5508G>A, p.Ala1836= (NM_001129831.2); c.5484G>A, p.Ala1828= (NM_001129832.2); c.5481G>A, p.Ala1827= (NM_001129833.2, NM_001129834.2, NM_001129835.2); c.5475G>A, p.Ala1825= (NM_001129836.2); and 4 more.
Identifiers: ClinVar variation 136636 (VCV000136636.17), dbSNP rs587780881, ClinGen allele CA289902.